The following is an entry in ClinVar:

ClinVar aggregate classification (germline): Uncertain significance (1 of 4 stars; one submission).

gnomAD v4.1: 1 of 1,614,060 alleles (0.000062%); highest among the groups gnomAD compares: Non-Finnish European, 0.000085%; no homozygotes.

Submission:

Labcorp Genetics (formerly Invitae), Labcorp
Classification: Uncertain significance. Last evaluated: 2020-07-25. Review status: criteria provided, single submitter. Criteria: Invitae Variant Classification Sherloc (09022015). Collection method: clinical testing. Allele origin: germline.
Comment: In summary, the available evidence is currently insufficient to determine the role of this variant in disease. Therefore, it has been classified as a Variant of Uncertain Significance. Algorithms developed to predict the effect of missense changes on protein structure and function (SIFT, PolyPhen-2, Align-GVGD) all suggest that this variant is likely to be disruptive, but these predictions have not been confirmed by published functional studies and their clinical significance is uncertain. This variant has not been reported in the literature in individuals with RCBTB1-related conditions. This variant is not present in population databases (ExAC no frequency). This sequence change replaces glycine with cysteine at codon 304 of the RCBTB1 protein (p.Gly304Cys). The glycine residue is moderately conserved and there is a large physicochemical difference between glycine and cysteine.

NM_018191.4(RCBTB1):c.910G>T (p.Gly304Cys)

Gene: RCBTB1 (RCC1 and BTB domain containing protein 1; minus strand). Cytogenetic location: 13q14.2.
Variant type: single nucleotide variant.
Coding change: c.910G>T on transcript NM_018191.4 (MANE Select); coding-DNA position 910, G replaced by T.
Protein change: p.Gly304Cys; replaces glycine 304 with cysteine.
Molecular consequence: missense variant. On other transcripts: non-coding transcript variant (2).
Genome position (GRCh38, 1-based): chr13:49,549,593, C>A on the plus strand (G>T on the coding strand, the complement: RCBTB1 is on the minus strand). VCF-style: chr13-49549593-C-A. GRCh37 (hg19) VCF-style: chr13-50123729-C-A.
Other names: c.910G>T, p.Gly304Cys (NM_001352500.2, NM_001352501.2, NM_001352502.2 and 3 more transcripts); c.331G>T, p.Gly111Cys (NM_001352506.2); short protein forms G111C, G304C.
Identifiers: ClinVar variation 1052672 (VCV001052672.9), dbSNP rs2139171241, ClinGen allele CA388189856.